The following is an entry in ClinVar:

ClinVar aggregate classification (germline): Uncertain significance. Review status: criteria provided, multiple submitters, no conflicts (2 of 4 stars). 2 submissions from 2 submitters: Uncertain significance (2). Last evaluated 2022-09-01.

Conditions:
Developmental and epileptic encephalopathy, 25 (DEE25). Also called: Developmental and epileptic encephalopathy 25, with amelogenesis imperfecta; Epileptic encephalopathy, early infantile, 25, with amelogenesis imperfecta; Epileptic encephalopathy, early infantile, 25. Identifiers: Orphanet 442835, MedGen C4014621, MONDO:0014392, OMIM 615905.

Allele frequency attached by ClinVar (database versions not stated): ExAC 0.00002; gnomAD 0.00002 and 0.00003; gnomAD exomes 0.00002 and 0.00004; TOPMed 0.00002; ESP Exome Variant Server 0.00015.

Submissions (2):

Labcorp Genetics (formerly Invitae), Labcorp
Classification: Uncertain significance for Developmental and epileptic encephalopathy, 25. Last evaluated: 2022-09-01. Review status: criteria provided, single submitter. Criteria: Invitae Variant Classification Sherloc (09022015). Collection method: clinical testing. Allele origin: germline.
Comment: This sequence change replaces isoleucine, which is neutral and non-polar, with valine, which is neutral and non-polar, at codon 483 of the SLC13A5 protein (p.Ile483Val). This variant is present in population databases (rs143719876, gnomAD 0.004%). This variant has not been reported in the literature in individuals affected with SLC13A5-related conditions. ClinVar contains an entry for this variant (Variation ID: 475194). Algorithms developed to predict the effect of missense changes on protein structure and function (SIFT, PolyPhen-2, Align-GVGD) all suggest that this variant is likely to be tolerated. In summary, the available evidence is currently insufficient to determine the role of this variant in disease. Therefore, it has been classified as a Variant of Uncertain Significance.

Fulgent Genetics
Classification: Uncertain significance for Developmental and epileptic encephalopathy, 25. Last evaluated: 2021-07-01. Review status: criteria provided, single submitter. Criteria: ACMG Guidelines, 2015. Collection method: clinical testing. Allele origin: unknown.

NM_177550.5(SLC13A5):c.1447A>G (p.Ile483Val)

Gene: SLC13A5 (solute carrier family 13 member 5; minus strand). Cytogenetic location: 17p13.1.
Variant type: single nucleotide variant.
Coding change: c.1447A>G on transcript NM_177550.5 (MANE Select); coding-DNA position 1447, A replaced by G.
Protein change: p.Ile483Val; replaces isoleucine 483 with valine.
Molecular consequence: missense variant. On other transcripts: intron variant (1).
Genome position (GRCh38, 1-based): chr17:6,687,657, T>C on the plus strand (A>G on the coding strand, the complement: SLC13A5 is on the minus strand). VCF-style: chr17-6687657-T-C. GRCh37 (hg19) VCF-style: chr17-6590976-T-C.
Other names: c.1396A>G, p.Ile466Val (NM_001284509.2); c.1318A>G, p.Ile440Val (NM_001284510.2); c.1438-1319A>G (NM_001143838.3); short protein forms I483V, I440V, I466V.
Identifiers: ClinVar variation 475194 (VCV000475194.9), dbSNP rs143719876, ClinGen allele CA8331368.